The following is an entry in ClinVar:

ClinVar aggregate classification (germline): Benign. Review status: criteria provided, multiple submitters, no conflicts (2 of 4 stars). 5 submissions from 4 submitters: Benign (5). Last evaluated 2026-02-02.

Conditions:
Myofibrillar myopathy 6. Identifiers: Orphanet 199340, MedGen C2751831, MONDO:0013061, OMIM 612954.
Dilated cardiomyopathy 1HH (CMD1HH). Identifiers: Orphanet 154, MedGen C3151293, MONDO:0013479, OMIM 613881.

Allele frequency attached by ClinVar (database versions not stated): 1000 Genomes Project 0.35443; 1000 Genomes Project 30x 0.36196; gnomAD exomes 0.36457; TOPMed 0.37333; gnomAD 0.38243 and 0.38461.
gnomAD v4.1: 248,277 of 674,268 alleles (37%); highest among the groups gnomAD compares: African/African-American, 39%; 46,116 homozygotes.

Submissions (11):

Labcorp Genetics (formerly Invitae), Labcorp
Classification: Benign for Dilated cardiomyopathy 1HH; Myofibrillar myopathy 6. Last evaluated: 2026-02-02. Review status: criteria provided, single submitter. Criteria: Invitae Variant Classification Sherloc (09022015). Collection method: clinical testing. Allele origin: germline.

GeneDx
Classification: Benign. Last evaluated: 2018-06-23. Review status: criteria provided, single submitter. Criteria: GeneDx Variant Classification Process June 2021. Collection method: clinical testing. Allele origin: germline. Affected: yes.
Comment: This variant is associated with the following publications: (PMID: 26512958)

Illumina Laboratory Services, Illumina
Classification: Benign for Myofibrillar myopathy 6. Last evaluated: 2018-01-12. Review status: criteria provided, single submitter. Criteria: ICSL Variant Classification Criteria 13 December 2019. Collection method: clinical testing. Allele origin: germline.
Comment: This variant was observed in the ICSL laboratory as part of a predisposition screen in an ostensibly healthy population. It had not been previously curated by ICSL or reported in the Human Gene Mutation Database (HGMD: prior to June 1st, 2018), and was therefore a candidate for classification through an automated scoring system. Utilizing variant allele frequency, disease prevalence and penetrance estimates, and inheritance mode, an automated score was calculated to assess if this variant is too frequent to cause the disease. Based on the score and internal cut-off values, a variant classified as benign is not then subjected to further curation. The score for this variant resulted in a classification of benign for this disease.

Illumina Laboratory Services, Illumina
Classification: Benign for Dilated cardiomyopathy 1HH. Last evaluated: 2018-01-12. Review status: criteria provided, single submitter. Criteria: ICSL Variant Classification Criteria 13 December 2019. Collection method: clinical testing. Allele origin: germline.
Comment: the same text as in the submission from Illumina Laboratory Services, Illumina above.

Breakthrough Genomics
Classification: Benign. Review status: criteria provided, single submitter. Criteria: ACMG Guidelines, 2015. Collection method: not provided. Allele origin: germline. Inheritance: Autosomal dominant inheritance. Affected: yes.

Dr. Peter K. Rogan Lab, Western University
No classification provided (evidence only). Condition: Sarcoma. Review status: no classification provided. Collection method: in vitro. Allele origin: not applicable. Functional consequence: retained intron. Not counted in ClinVar's aggregate classification.

Dr. Peter K. Rogan Lab, Western University
No classification provided (evidence only). Condition: Thymoma. Review status: no classification provided. Collection method: in vitro. Allele origin: not applicable. Functional consequence: retained intron. Not counted in ClinVar's aggregate classification.

Dr. Peter K. Rogan Lab, Western University
No classification provided (evidence only). Condition: Malignant tumor of esophagus. Review status: no classification provided. Collection method: in vitro. Allele origin: not applicable. Functional consequence: retained intron. Not counted in ClinVar's aggregate classification.

Dr. Peter K. Rogan Lab, Western University
No classification provided (evidence only). Condition: Lung cancer. Review status: no classification provided. Collection method: in vitro. Allele origin: not applicable. Functional consequence: retained intron. Not counted in ClinVar's aggregate classification.

Dr. Peter K. Rogan Lab, Western University
No classification provided (evidence only). Condition: Lung cancer. Review status: no classification provided. Collection method: in vitro. Allele origin: not applicable. Functional consequence: retained intron. Not counted in ClinVar's aggregate classification.

Dr. Peter K. Rogan Lab, Western University
No classification provided (evidence only). Condition: Sarcoma. Review status: no classification provided. Collection method: in vitro. Allele origin: not applicable. Functional consequence: retained intron. Not counted in ClinVar's aggregate classification.

NM_004281.4(BAG3):c.*218G>C

Gene: BAG3 (BAG cochaperone 3; plus strand). Cytogenetic location: 10q26.11.
Variant type: single nucleotide variant.
Coding change: c.*218G>C on transcript NM_004281.4 (MANE Select); 218 bases downstream of the stop codon, G replaced by C.
Molecular consequence: 3 prime UTR variant.
Genome position (GRCh38, 1-based): chr10:119,677,500, G>C. VCF-style: chr10-119677500-G-C. GRCh37 (hg19) VCF-style: chr10-121437012-G-C.
Identifiers: ClinVar variation 298966 (VCV000298966.17), dbSNP rs8946, ClinGen allele CA10631055.